The following is an entry in ClinVar:

ClinVar aggregate classification (germline): Uncertain significance (1 of 4 stars; one submission).

Conditions:
Autosomal dominant nocturnal frontal lobe epilepsy 5. Also called: KCNT1-Related Epilepsy; CILIARY DYSKINESIA, PRIMARY, 28, WITHOUT SITUS INVERSUS; CILIARY DYSKINESIA, PRIMARY, 28, WITH SITUS INVERSUS; Epilepsy, nocturnal frontal lobe, 5. Identifiers: Orphanet 98784, MedGen C3554306, MONDO:0014002, OMIM 615005.
Developmental and epileptic encephalopathy, 14 (DEE14). Also called: Early infantile epileptic encephalopathy 14. Identifiers: Orphanet 293181, MedGen C3554195, MONDO:0013989, OMIM 614959.

Submission:

Labcorp Genetics (formerly Invitae), Labcorp
Classification: Uncertain significance for Autosomal dominant nocturnal frontal lobe epilepsy 5; Developmental and epileptic encephalopathy, 14. Last evaluated: 2024-12-30. Review status: criteria provided, single submitter. Criteria: Invitae Variant Classification Sherloc (09022015). Collection method: clinical testing. Allele origin: germline.
Comment: This sequence change replaces proline, which is neutral and non-polar, with serine, which is neutral and polar, at codon 1185 of the KCNT1 protein (p.Pro1185Ser). This variant is not present in population databases (gnomAD no frequency). This variant has not been reported in the literature in individuals affected with KCNT1-related conditions. Invitae Evidence Modeling of protein sequence and biophysical properties (such as structural, functional, and spatial information, amino acid conservation, physicochemical variation, residue mobility, and thermodynamic stability) indicates that this missense variant is not expected to disrupt KCNT1 protein function with a negative predictive value of 80%. In summary, the available evidence is currently insufficient to determine the role of this variant in disease. Therefore, it has been classified as a Variant of Uncertain Significance.

NM_020822.3(KCNT1):c.3553C>T (p.Pro1185Ser)

Gene: KCNT1 (potassium sodium-activated channel subfamily T member 1; plus strand). Cytogenetic location: 9q34.3.
Variant type: single nucleotide variant.
Coding change: c.3553C>T on transcript NM_020822.3 (MANE Select); coding-DNA position 3553, C replaced by T.
Protein change: p.Pro1185Ser; replaces proline 1185 with serine.
Molecular consequence: missense variant.
Genome position (GRCh38, 1-based): chr9:135,791,847, C>T. VCF-style: chr9-135791847-C-T. GRCh37 (hg19) VCF-style: chr9-138683693-C-T.
Other names: c.3481C>T, p.Pro1161Ser (NM_001272003.2); short protein forms P1161S, P1185S.
Identifiers: ClinVar variation 3758670 (VCV003758670.2).